The following is an entry in ClinVar:

NM_002617.4(PEX10):c.826T>C (p.Cys276Arg)

Gene: PEX10 (peroxisomal biogenesis factor 10; minus strand). Cytogenetic location: 1p36.32.
Variant type: single nucleotide variant.
Coding change: c.826T>C on transcript NM_002617.4 (MANE Select); coding-DNA position 826, T replaced by C.
Protein change: p.Cys276Arg; replaces cysteine 276 with arginine.
Molecular consequence: missense variant. On other transcripts: non-coding transcript variant (1).
Genome position (GRCh38, 1-based): chr1:2,406,570, A>G on the plus strand (T>C on the coding strand, the complement: PEX10 is on the minus strand). VCF-style: chr1-2406570-A-G. GRCh37 (hg19) VCF-style: chr1-2338009-A-G.
Other names: c.883T>C, p.Cys295Arg (NM_001374425.1); c.451T>C, p.Cys151Arg (NM_001374426.1); c.394T>C, p.Cys132Arg (NM_001374427.1); c.886T>C, p.Cys296Arg (NM_153818.2); short protein forms C132R, C151R, C276R, C295R, C296R.
Identifiers: ClinVar variation 5019498 (VCV005019498.2).

ClinVar aggregate classification (germline): Uncertain significance (1 of 4 stars; one submission).

Conditions:
Peroxisome biogenesis disorder 6A (Zellweger). Also called: Peroxisome biogenesis disorder 6A. Identifiers: Orphanet 912, MedGen C3553947, MONDO:0013936, OMIM 614870.
Peroxisome biogenesis disorder 6B (PBD6B). Identifiers: Orphanet 44, MedGen C3553948, MONDO:0013937, OMIM 614871.

Submission:

Juno Genomics, Hangzhou Juno Genomics, Inc
Classification: Uncertain significance for Peroxisome biogenesis disorder 6A (Zellweger); Peroxisome biogenesis disorder 6B. Review status: criteria provided, single submitter. Criteria: ACMG Guidelines, 2015. Collection method: clinical testing. Allele origin: germline.
Comment: Absent from controls (or at extremely low frequency if recessive) in Genome Aggregation Database.;Multiple lines of computational evidence support a deleterious effect on the gene or gene product.